The following is an entry in ClinVar:

ClinVar aggregate classification (germline): Pathogenic (1 of 4 stars; one submission).

Submission:

Quest Diagnostics Nichols Institute San Juan Capistrano
Classification: Pathogenic. Last evaluated: 2024-10-16. Review status: criteria provided, single submitter. Criteria: ACMG/ClinGen CNV Guidelines, 2019. Collection method: clinical testing. Allele origin: unknown.
Comment: This deletion involves at least 3 protein-coding genes, including TNRC6B (OMIM 610740). Haploinsufficiency of TNRC6B (CCID:008025) is associated with autosomal dominant global developmental delay with speech and behavioral abnormalities (GDSBA; OMIM 619243; Granadillo 2020, Yang 2024). There are no similar copy number losses of this region in the general populations of the Database of Genomic Variants. Thus, this copy number variant (CNV) is classified as pathogenic. References: Granadillo et al., J Med Genet. 2020 Oct;57(10):717-724. PMID: 32152250 Yang et al., Mol Genet Genomic Med. 2024 Feb;12(2):e2408. PMID: 38404251

GRCh37/hg19 22q13.1(chr22:40542934-40768900)x1

Genes: ADSL (adenylosuccinate lyase; plus strand), SGSM3 (small G protein signaling modulator 3; plus strand), TNRC6B (trinucleotide repeat containing adaptor 6B; plus strand). Cytogenetic location: 22q13.1.
Variant type: copy number loss.
Change: copy number 1 (one copy instead of two) of chr22:40,542,934-40,768,900 (226.0 kb, GRCh37 coordinates, 1-based), cytogenetic band 22q13.1.
Identifiers: ClinVar variation 4683003 (VCV004683003.1).